The following is an entry in ClinVar:

ClinVar aggregate classification (germline): Uncertain significance (1 of 4 stars; one submission).

Conditions:
Arginine:glycine amidinotransferase deficiency (CCDS3). Also called: L-Arginine:Glycine Amidinotransferase (AGAT) Deficiency; Creatine deficiency syndrome due to AGAT deficiency; GATM deficiency; Cerebral creatine deficiency syndrome 3; AGAT deficiency; L-Arginine:Glycine Amidinotransferase Deficiency. Identifiers: Orphanet 35704, MedGen C2675179, MONDO:0012996, OMIM 612718.

Allele frequency attached by ClinVar (database versions not stated): gnomAD exomes below 0.00001 and 0.00001; ExAC 0.00002.
gnomAD v4.1: 4 of 1,611,704 alleles (0.00025%); highest among the groups gnomAD compares: South Asian, 0.0022%; no homozygotes.

Submission:

Labcorp Genetics (formerly Invitae), Labcorp
Classification: Uncertain significance for Arginine:glycine amidinotransferase deficiency. Last evaluated: 2022-03-11. Review status: criteria provided, single submitter. Criteria: Invitae Variant Classification Sherloc (09022015). Collection method: clinical testing. Allele origin: germline.
Comment: Algorithms developed to predict the effect of sequence changes on RNA splicing suggest that this variant may create or strengthen a splice site. In summary, the available evidence is currently insufficient to determine the role of this variant in disease. Therefore, it has been classified as a Variant of Uncertain Significance. This sequence change falls in intron 1 of the GATM gene. It does not directly change the encoded amino acid sequence of the GATM protein. The frequency data for this variant in the population databases is considered unreliable, as metrics indicate poor data quality at this position in the gnomAD database. This variant has not been reported in the literature in individuals affected with GATM-related conditions.

NM_001482.3(GATM):c.70-5G>A

Gene: GATM (glycine amidinotransferase; minus strand). Cytogenetic location: 15q21.1.
Variant type: single nucleotide variant.
Coding change: c.70-5G>A on transcript NM_001482.3 (MANE Select); 5 bases into the intron before coding-DNA position 70, G replaced by A.
Molecular consequence: intron variant.
Genome position (GRCh38, 1-based): chr15:45,376,824, C>T on the plus strand (G>A on the coding strand, the complement: GATM is on the minus strand). VCF-style: chr15-45376824-C-T. GRCh37 (hg19) VCF-style: chr15-45669022-C-T.
Other names: c.-318-5G>A (NM_001321015.2).
Identifiers: ClinVar variation 1497886 (VCV001497886.8), dbSNP rs752014055, ClinGen allele CA7543000.